The following is an entry in ClinVar:

NM_001408.3(CELSR2):c.7994C>T (p.Ser2665Phe)

Gene: CELSR2 (cadherin EGF LAG seven-pass G-type receptor 2; plus strand). Cytogenetic location: 1p13.3.
Variant type: single nucleotide variant.
Coding change: c.7994C>T on transcript NM_001408.3 (MANE Select); coding-DNA position 7994, C replaced by T.
Protein change: p.Ser2665Phe; replaces serine 2665 with phenylalanine.
Molecular consequence: missense variant.
Genome position (GRCh38, 1-based): chr1:109,272,345, C>T. VCF-style: chr1-109272345-C-T. GRCh37 (hg19) VCF-style: chr1-109814967-C-T.
Other names: short protein forms S2665F.
Identifiers: ClinVar variation 4743389 (VCV004743389.1).

ClinVar aggregate classification (germline): Uncertain significance (1 of 4 stars; one submission).

Submission:

Labcorp Genetics (formerly Invitae), Labcorp
Classification: Uncertain significance. Last evaluated: 2025-12-15. Review status: criteria provided, single submitter. Criteria: Invitae Variant Classification Sherloc (09022015). Collection method: clinical testing. Allele origin: germline.
Comment: This sequence change replaces serine, which is neutral and polar, with phenylalanine, which is neutral and non-polar, at codon 2665 of the CELSR2 protein (p.Ser2665Phe). This variant is not present in population databases (gnomAD no frequency). This variant has not been reported in the literature in individuals affected with CELSR2-related conditions. Invitae Evidence Modeling of protein sequence and biophysical properties (such as structural, functional, and spatial information, amino acid conservation, physicochemical variation, residue mobility, and thermodynamic stability) indicates that this missense variant is expected to disrupt CELSR2 protein function with a positive predictive value of 80%. In summary, the available evidence is currently insufficient to determine the role of this variant in disease. Therefore, it has been classified as a Variant of Uncertain Significance.